The following is an entry in ClinVar:

ClinVar aggregate classification (germline): Benign/Likely benign. Review status: criteria provided, multiple submitters, no conflicts (2 of 4 stars). 12 submissions from 12 submitters: Benign (5); Likely benign (6). 1 of the submissions does not count toward it. Last evaluated 2026-10-01.

Conditions:
Hereditary cancer-predisposing syndrome. Also called: Neoplastic Syndromes, Hereditary; Tumor predisposition; Hereditary Cancer Syndrome; Hereditary neoplastic syndrome. Identifiers: Orphanet 140162, MedGen C0027672, MeSH D009386, MONDO:0015356.
Tuberous sclerosis syndrome (TSC). Also called: Tuberous Sclerosis Complex; Tuberous sclerosis. Identifiers: Orphanet 805, MedGen C0041341, MONDO:0001734.
Tuberous sclerosis 2 (TSC2). Identifiers: Orphanet 805, MedGen C1860707, MONDO:0013199, OMIM 613254.

Allele frequency attached by ClinVar (database versions not stated): gnomAD 0.00004; ExAC 0.00007; gnomAD exomes 0.00007; ESP Exome Variant Server 0.00008; TOPMed 0.00003.
gnomAD v4.1: 106 of 1,613,270 alleles (0.0066%); highest among the groups gnomAD compares: Middle Eastern, 0.033%; no homozygotes.

Submissions (12):

CeGaT Center for Human Genetics Tuebingen
Classification: Likely benign. Last evaluated: 2026-10-01. Review status: criteria provided, single submitter. Criteria: CeGaT Center For Human Genetics Tuebingen Variant Classification Criteria Version 2. Collection method: clinical testing. Allele origin: germline. Affected: yes. Observed: 2 variant alleles.
Comment: TSC2: BP4, BP7

Labcorp Genetics (formerly Invitae), Labcorp
Classification: Benign for Tuberous sclerosis 2. Last evaluated: 2026-01-07. Review status: criteria provided, single submitter. Criteria: Invitae Variant Classification Sherloc (09022015). Collection method: clinical testing. Allele origin: germline.

Women's Health and Genetics/Laboratory Corporation of America, LabCorp
Classification: Likely benign. Last evaluated: 2025-12-19. Review status: criteria provided, single submitter. Criteria: LabCorp Variant Classification Summary - May 2015. Collection method: clinical testing. Allele origin: germline.

Myriad Genetics, Inc.
Classification: Benign for Tuberous sclerosis 2. Last evaluated: 2025-05-15. Review status: criteria provided, single submitter. Criteria: Myriad Autosomal Dominant, Autosomal Recessive and X-Linked Classification Criteria (2023). Collection method: clinical testing. Allele origin: unknown.
Comment: This variant is considered benign. This variant is a silent/synonymous amino acid change and it is not expected to impact splicing.

Blueprint Genetics
Classification: Likely benign. Last evaluated: 2024-09-09. Review status: criteria provided, single submitter. Criteria: ACMG Guidelines, 2015. Collection method: clinical testing. Allele origin: germline.

All of Us Research Program, National Institutes of Health
Classification: Benign for Tuberous sclerosis syndrome. Last evaluated: 2023-12-18. Review status: criteria provided, single submitter. Criteria: ACMG Guidelines, 2015. Collection method: clinical testing. Allele origin: germline. Inheritance: Autosomal dominant inheritance. Observed: 14 variant alleles, 14 heterozygotes.
Comment: This study involves interpretation of variants in research participants for the purpose of population health screening. Participant phenotype was not available at the time of variant classification. Additional details can be found in publication PMID: 35346344, PMCID: PMC8962531

Color Diagnostics, LLC DBA Color Health
Classification: Benign for Tuberous sclerosis syndrome. Last evaluated: 2022-09-21. Review status: criteria provided, single submitter. Criteria: ACMG Guidelines, 2015. Collection method: clinical testing. Allele origin: germline.

Genome-Nilou Lab
Classification: Benign for Tuberous sclerosis 2. Last evaluated: 2021-11-07. Review status: criteria provided, single submitter. Criteria: ACMG Guidelines, 2015. Collection method: clinical testing. Allele origin: germline. Affected: no.

Sema4
Classification: Likely benign for Hereditary cancer-predisposing syndrome. Last evaluated: 2021-10-22. Review status: criteria provided, single submitter. Criteria: Sema4 Curation Guidelines. Collection method: curation. Allele origin: germline.

GeneDx
Classification: Likely benign. Last evaluated: 2020-06-15. Review status: criteria provided, single submitter. Criteria: GeneDx Variant Classification Process June 2021. Collection method: clinical testing. Allele origin: germline. Affected: yes.

Ambry Genetics
Classification: Likely benign for Hereditary cancer-predisposing syndrome. Last evaluated: 2015-01-19. Review status: criteria provided, single submitter. Criteria: Ambry Variant Classification Scheme 2023. Collection method: clinical testing. Allele origin: germline.

Tuberous sclerosis database (TSC2)
No classification provided. Condition: TSC. Review status: no classification provided. Criteria: Tuberous Sclerosis Database Assertion Criteria 2015. Collection method: curation. Allele origin: germline. Affected: yes. Not counted in ClinVar's aggregate classification.

NM_000548.5(TSC2):c.1752G>A (p.Thr584=)

Gene: TSC2 (TSC complex subunit 2; plus strand). Cytogenetic location: 16p13.3.
Variant type: single nucleotide variant.
Coding change: c.1752G>A on transcript NM_000548.5 (MANE Select); coding-DNA position 1752, G replaced by A.
Protein change: p.Thr584=; no amino-acid change (threonine 584 retained).
Molecular consequence: synonymous variant.
Genome position (GRCh38, 1-based): chr16:2,070,491, G>A. VCF-style: chr16-2070491-G-A. GRCh37 (hg19) VCF-style: chr16-2120492-G-A.
Other names: c.1752G>A, p.Thr584= (NM_001077183.3, NM_001114382.3, NM_001363528.2 and 3 more transcripts); c.1641G>A, p.Thr547= (NM_001318827.2); c.1605G>A, p.Thr535= (NM_001318829.2); c.1152G>A, p.Thr384= (NM_001318831.2); c.1785G>A, p.Thr595= (NM_001318832.2).
Identifiers: ClinVar variation 65018 (VCV000065018.27), dbSNP rs141285742, ClinGen allele CA015642.
Genomic context (GRCh38, chr16:2,070,491, plus strand): 5'-GGTGAGCTGCGTCCTCTCTCTGCAGACCAAGCTGTACACCCTGCCTGCAAGCCACGCCAC[G>A]CGTGTGTATGAGATGCTGGTCAGCCACATTCAGCTCCACTACAAGCACAGCTACACCCTG-3'
Protein context (NP_000539.2, residues 574-594): KLYTLPASHA[Thr584=]RVYEMLVSHI